The following is an entry in ClinVar:

ClinVar aggregate classification (germline): Benign. Review status: criteria provided, multiple submitters, no conflicts (2 of 4 stars). 2 submissions from 2 submitters: Benign (2). Last evaluated 2018-06-16.

Allele frequency attached by ClinVar (database versions not stated): gnomAD 0.05892 and 0.06418; TOPMed 0.06855; 1000 Genomes Project 30x 0.12164; 1000 Genomes Project 0.12360.
gnomAD v4.1: 98,584 of 1,597,734 alleles (6.2%); highest among the groups gnomAD compares: East Asian, 23%; 4,682 homozygotes.

Submissions (2):

GeneDx
Classification: Benign. Last evaluated: 2018-06-16. Review status: criteria provided, single submitter. Criteria: GeneDx Variant Classification (06012015). Collection method: clinical testing. Allele origin: germline. Affected: yes.
Comment: This variant is considered likely benign or benign based on one or more of the following criteria: it is a conservative change, it occurs at a poorly conserved position in the protein, it is predicted to be benign by multiple in silico algorithms, and/or has population frequency not consistent with disease.

Breakthrough Genomics
Classification: Benign. Review status: criteria provided, single submitter. Criteria: ACMG Guidelines, 2015. Collection method: not provided. Allele origin: germline. Inheritance: Autosomal recessive inheritance. Affected: yes.

NM_005198.5(CHKB):c.448-87C>G

Genes: CHKB (choline kinase beta; minus strand), CHKB-CPT1B (CHKB-CPT1B readthrough (NMD candidate); minus strand). Cytogenetic location: 22q13.33.
Variant type: single nucleotide variant.
Coding change: c.448-87C>G on transcript NM_005198.5 (MANE Select); 87 bases into the intron before coding-DNA position 448, C replaced by G.
Molecular consequence: intron variant.
Genome position (GRCh38, 1-based): chr22:50,581,640, G>C on the plus strand (C>G on the coding strand, the complement: CHKB is on the minus strand). VCF-style: chr22-50581640-G-C. GRCh37 (hg19) VCF-style: chr22-51020069-G-C.
Identifiers: ClinVar variation 676259 (VCV000676259.2), dbSNP rs2269381, ClinGen allele CA15999876.